The following is an entry in ClinVar:

ClinVar aggregate classification (germline): Conflicting classifications of pathogenicity. Review status: criteria provided, conflicting classifications (1 of 4 stars). 2 submissions from 2 submitters: Uncertain significance (1); Likely benign (1). Last evaluated 2024-09-05.

Conditions:
Familial thoracic aortic aneurysm and aortic dissection (TAAD). Also called: Thoracic aortic aneurysms and dissections. Identifiers: Orphanet 91387, MedGen C4707243, MONDO:0019625.
Loeys-Dietz syndrome 4 (LDS4). Also called: TGFB2-Related Loeys-Dietz Syndrome; ANEURYSM, AORTIC AND CEREBRAL, WITH ARTERIAL TORTUOSITY AND SKELETAL MANIFESTATIONS. Identifiers: MedGen C3553762, MONDO:0013897, OMIM 614816.

Allele frequency attached by ClinVar (database versions not stated): gnomAD 0.00001; gnomAD exomes 0.00001 and 0.00003; ExAC 0.00002.
gnomAD v4.1: 7 of 1,613,400 alleles (0.00043%); highest among the groups gnomAD compares: East Asian, 0.016%; no homozygotes.

Submissions (2):

Labcorp Genetics (formerly Invitae), Labcorp
Classification: Likely benign for Loeys-Dietz syndrome 4. Last evaluated: 2024-09-05. Review status: criteria provided, single submitter. Criteria: Invitae Variant Classification Sherloc (09022015). Collection method: clinical testing. Allele origin: germline.

Ambry Genetics
Classification: Uncertain significance for Familial thoracic aortic aneurysm and aortic dissection. Last evaluated: 2022-08-03. Review status: criteria provided, single submitter. Criteria: Ambry Variant Classification Scheme 2023. Collection method: clinical testing. Allele origin: germline.
Comment: The p.L353V variant (also known as c.1057T>G), located in coding exon 6 of the TGFB2 gene, results from a T to G substitution at nucleotide position 1057. The leucine at codon 353 is replaced by valine, an amino acid with highly similar properties. This amino acid position is conserved. In addition, this alteration is predicted to be tolerated by in silico analysis. Since supporting evidence is limited at this time, the clinical significance of this alteration remains unclear.

NM_003238.6(TGFB2):c.1057T>G (p.Leu353Val)

Gene: TGFB2 (transforming growth factor beta 2; plus strand). Cytogenetic location: 1q41.
Variant type: single nucleotide variant.
Coding change: c.1057T>G on transcript NM_003238.6 (MANE Select); coding-DNA position 1057, T replaced by G.
Protein change: p.Leu353Val; replaces leucine 353 with valine.
Molecular consequence: missense variant. On other transcripts: non-coding transcript variant (2).
Genome position (GRCh38, 1-based): chr1:218,437,467, T>G. VCF-style: chr1-218437467-T-G. GRCh37 (hg19) VCF-style: chr1-218610809-T-G.
Other names: c.1141T>G, p.Leu381Val (NM_001135599.4); short protein forms L353V, L381V.
Identifiers: ClinVar variation 966648 (VCV000966648.14), dbSNP rs777045186, ClinGen allele CA1398669.